The following is an entry in ClinVar:

ClinVar aggregate classification (germline): Likely benign (1 of 4 stars; one submission).

Allele frequency attached by ClinVar (database versions not stated): TOPMed 0.00001; gnomAD exomes 0.00002; ExAC 0.00015.
gnomAD v4.1: 33 of 1,547,600 alleles (0.0021%); highest among the groups gnomAD compares: Middle Eastern, 0.35%; 1 homozygote.

Submission:

CeGaT Center for Human Genetics Tuebingen
Classification: Likely benign. Last evaluated: 2022-06-01. Review status: criteria provided, single submitter. Criteria: CeGaT Center For Human Genetics Tuebingen Variant Classification Criteria Version 2. Collection method: clinical testing. Allele origin: germline. Affected: yes. Observed: 1 variant allele.
Comment: VWA5B2: BP4, BP7

NM_001390846.1(VWA5B2):c.1221G>T (p.Val407=)

Gene: VWA5B2 (von Willebrand factor A domain containing 5B2; plus strand). Cytogenetic location: 3q27.1.
Variant type: single nucleotide variant.
Coding change: c.1221G>T on transcript NM_001390846.1 (MANE Select); coding-DNA position 1221, G replaced by T.
Protein change: p.Val407=; no amino-acid change (valine 407 retained).
Molecular consequence: synonymous variant.
Genome position (GRCh38, 1-based): chr3:184,236,351, G>T. VCF-style: chr3-184236351-G-T. GRCh37 (hg19) VCF-style: chr3-183954139-G-T.
Other names: c.564G>T, p.Val188= (NM_001320373.3, NM_001390840.1, NM_001390847.1); c.1233G>T, p.Val411= (NM_001390839.1, NM_001390841.1, NM_001390842.1); c.1221G>T, p.Val407= (NM_001390843.1, NM_001390844.1, NM_138345.3).
Identifiers: ClinVar variation 2654311 (VCV002654311.24), dbSNP rs778106714, ClinGen allele CA2728974.